The following is an entry in ClinVar:

ClinVar aggregate classification (germline): Uncertain significance. Review status: criteria provided, multiple submitters, no conflicts (2 of 4 stars). 2 submissions from 2 submitters: Uncertain significance (2). Last evaluated 2024-06-11.

Conditions:
Lynch syndrome. Identifiers: Orphanet 144, MedGen C4552100, MONDO:0005835. Disease mechanism: loss of function.
Hereditary nonpolyposis colorectal neoplasms. Identifiers: MedGen C0009405, MeSH D003123.

Submissions (2):

All of Us Research Program, National Institutes of Health
Classification: Uncertain significance for Lynch syndrome. Last evaluated: 2024-06-11. Review status: criteria provided, single submitter. Criteria: ACMG Guidelines, 2015. Collection method: clinical testing. Allele origin: germline. Inheritance: Autosomal dominant inheritance. Observed: 1 variant allele, 1 heterozygote.
Comment: This study involves interpretation of variants in research participants for the purpose of population health screening. Participant phenotype was not available at the time of variant classification. Additional details can be found in publication PMID: 35346344, PMCID: PMC8962531

Labcorp Genetics (formerly Invitae), Labcorp
Classification: Uncertain significance for Hereditary nonpolyposis colorectal neoplasms. Last evaluated: 2019-06-13. Review status: criteria provided, single submitter. Criteria: Invitae Variant Classification Sherloc (09022015). Collection method: clinical testing. Allele origin: germline.
Comment: This variant has not been reported in the literature in individuals with MSH6-related conditions. In summary, the available evidence is currently insufficient to determine the role of this variant in disease. Therefore, it has been classified as a Variant of Uncertain Significance. Algorithms developed to predict the effect of missense changes on protein structure and function are either unavailable or do not agree on the potential impact of this missense change (SIFT: "Deleterious"; PolyPhen-2: "Probably Damaging"; Align-GVGD: "Class C0"). This variant is not present in population databases (ExAC no frequency). This sequence change replaces isoleucine with leucine at codon 1109 of the MSH6 protein (p.Ile1109Leu). The isoleucine residue is highly conserved and there is a small physicochemical difference between isoleucine and leucine.

NM_000179.3(MSH6):c.3325A>C (p.Ile1109Leu)

Gene: MSH6 (mutS homolog 6; plus strand). Cytogenetic location: 2p16.3.
Variant type: single nucleotide variant.
Coding change: c.3325A>C on transcript NM_000179.3 (MANE Select); coding-DNA position 3325, A replaced by C.
Protein change: p.Ile1109Leu; replaces isoleucine 1109 with leucine.
Molecular consequence: missense variant.
Genome position (GRCh38, 1-based): chr2:47,803,572, A>C. VCF-style: chr2-47803572-A-C. GRCh37 (hg19) VCF-style: chr2-48030711-A-C.
Other names: c.2935A>C, p.Ile979Leu (NM_001281492.2); c.2419A>C, p.Ile807Leu (NM_001281493.2, NM_001281494.2); short protein forms I1109L, I807L, I979L.
Identifiers: ClinVar variation 945277 (VCV000945277.11), dbSNP rs1669758701, ClinGen allele CA346758695.
Genomic context (GRCh38, chr2:47,803,572, plus strand): 5'-TTAGAGCTTAAAGGATCACGCCATCCTTGCATTACGAAGACTTTTTTTGGAGATGATTTT[A>C]TTCCTAATGACATTCTAATAGGCTGTGAGGAAGAGGAGCAGGAAAATGGCAAAGCCTATT-3'
Protein context (NP_000170.1, residues 1099-1119): ITKTFFGDDF[Ile1109Leu]PNDILIGCEE